The following is an entry in ClinVar:

ClinVar aggregate classification (germline): Likely benign. Review status: criteria provided, multiple submitters, no conflicts (2 of 4 stars). 8 submissions from 8 submitters: Likely benign (5). 3 of the submissions do not count toward it. Last evaluated 2025-09-23.

Conditions:
Polycystic kidney disease, adult type (PKD1). Also called: Polycystic Kidney, Autosomal Dominant; POLYCYSTIC KIDNEY DISEASE, ADULT, TYPE I; Polycystic Kidney Disease 1, Autosomal Dominant; Polycystic kidney disease 1; Polycystic kidney disease 1, severe; POLYCYSTIC KIDNEY DISEASE 1 WITH OR WITHOUT POLYCYSTIC LIVER DISEASE. Identifiers: MedGen C3149841, MONDO:0008263, OMIM 173900.
Polycystic kidney disease. Also called: Kidney, Polycystic; Polycystic kidney dysplasia. Identifiers: MedGen C0022680, MeSH D007690, MONDO:0020642, HP:0000113.

Allele frequency attached by ClinVar (database versions not stated): ExAC 0.00031; 1000 Genomes Project 30x 0.00078; 1000 Genomes Project 0.00080; TOPMed 0.00084; ESP Exome Variant Server 0.00100.
gnomAD v4.1: 362 of 1,609,970 alleles (0.022%); highest among the groups gnomAD compares: African/African-American, 0.25%; no homozygotes.

Submissions (8):

Mayo Clinic Laboratories, Mayo Clinic
Classification: Likely benign. Last evaluated: 2025-09-23. Review status: criteria provided, single submitter. Criteria: ACMG Guidelines, 2015. Collection method: clinical testing. Allele origin: germline. Observed: 2 variant alleles.
Comment: BS1, BP4, BP7

Women's Health and Genetics/Laboratory Corporation of America, LabCorp
Classification: Likely benign. Last evaluated: 2024-08-28. Review status: criteria provided, single submitter. Criteria: LabCorp Variant Classification Summary - May 2015. Collection method: clinical testing. Allele origin: germline.

Blueprint Genetics
Classification: Likely benign. Last evaluated: 2024-02-21. Review status: criteria provided, single submitter. Criteria: ACMG Guidelines, 2015. Collection method: clinical testing. Allele origin: germline.

CeGaT Center for Human Genetics Tuebingen
Classification: Likely benign. Last evaluated: 2023-04-01. Review status: criteria provided, single submitter. Criteria: CeGaT Center For Human Genetics Tuebingen Variant Classification Criteria Version 2. Collection method: clinical testing. Allele origin: germline. Affected: yes. Observed: 1 variant allele.
Comment: PKD1: BP4, BP7

Fulgent Genetics
Classification: Likely benign for Polycystic kidney disease, adult type. Last evaluated: 2021-09-01. Review status: criteria provided, single submitter. Criteria: ACMG Guidelines, 2015. Collection method: clinical testing. Allele origin: unknown.

Clinical Genetics DNA and cytogenetics Diagnostics Lab, Erasmus MC, Erasmus Medical Center
Classification: Likely benign. Review status: no assertion criteria provided. Collection method: clinical testing. Allele origin: germline. Affected: yes. Study: VKGL Data-share Consensus. Not counted in ClinVar's aggregate classification.

Department of Pathology and Laboratory Medicine, Sinai Health System
Classification: Likely benign for Polycystic Kidney disease. Review status: no assertion criteria provided. Collection method: clinical testing. Allele origin: unknown. Affected: yes. Observed: 1 variant allele. Study: The Canadian Open Genetics Repository (COGR). Not counted in ClinVar's aggregate classification.
Comment: The PKD1 p.Leu1508= variant was not identified in the literature nor was it identified in the ClinVar, GeneInsight-COGR, LOVD 3.0, or PKD1-LOVD, databases. The variant was identified in dbSNP (ID: rs144200494), and in ADPKD Mutation Database (as likely neutral). The variant was identified in control databases in 85 of 275450 chromosomes at a frequency of 0.0003 increasing the likelihood this could be a low frequency benign variant (Genome Aggregation Database Feb 27, 2017). The variant was observed in the following populations: African in 62 of 23834 chromosomes (freq: 0.0026), Other in 1 of 6422 chromosomes (freq: 0.00016), Latino in 11 of 34398 chromosomes (freq: 0.0003), European in 10 of 125368 chromosomes (freq: 0.00008), and South Asian in 1 of 30772 chromosomes (freq: 0.00003), while the variant was not observed in the Ashkenazi Jewish, East Asian, and Finnish, populations. In addition we cannot be certain that data from control databases is specific to PKD1 and not from one of the six PKD1 pseudogenes. The p.Leu1508= variant is not expected to have clinical significance because it does not result in a change of amino acid and is not located in a known consensus splice site. In addition, in silico or computational prediction software programs (SpliceSiteFinder, MaxEntScan, NNSPLICE, GeneSplicer) do not predict a difference in splicing. In summary, based on the above information the clinical significance of this variant cannot be determined with certainty at this time although we would lean towards a more benign role for this variant. This variant is classified as likely benign.

Genome Diagnostics Laboratory, University Medical Center Utrecht
Classification: Likely benign. Review status: no assertion criteria provided. Collection method: clinical testing. Allele origin: germline. Affected: yes. Study: VKGL Data-share Consensus. Not counted in ClinVar's aggregate classification.

NM_001009944.3(PKD1):c.4524C>T (p.Leu1508=)

Gene: PKD1 (polycystin 1, transient receptor potential channel interacting; minus strand). Cytogenetic location: 16p13.3.
Variant type: single nucleotide variant.
Coding change: c.4524C>T on transcript NM_001009944.3 (MANE Select); coding-DNA position 4524, C replaced by T.
Protein change: p.Leu1508=; no amino-acid change (leucine 1508 retained).
Molecular consequence: synonymous variant.
Genome position (GRCh38, 1-based): chr16:2,110,643, G>A on the plus strand (C>T on the coding strand, the complement: PKD1 is on the minus strand). VCF-style: chr16-2110643-G-A. GRCh37 (hg19) VCF-style: chr16-2160644-G-A.
Other names: p.Leu1508=; c.4524C>T, p.Leu1508= (NM_000296.4).
Identifiers: ClinVar variation 997160 (VCV000997160.30), dbSNP rs144200494, ClinGen allele CA7832347.